The following is an entry in ClinVar:

NM_002972.4(SBF1):c.5394_5395del (p.Ala1799fs)

Gene: SBF1 (SET binding factor 1; minus strand). Cytogenetic location: 22q13.33.
Variant type: Deletion.
Coding change: c.5394_5395del on transcript NM_002972.4 (MANE Select); coding-DNA positions 5394 to 5395, 2 bases deleted (GG; older notation c.5394_5395delGG).
Protein change: p.Ala1799fs; shifts the reading frame from alanine 1799.
Molecular consequence: frameshift variant.
Genome position (GRCh38, 1-based): chr22:50,447,578-50,447,579, CC deleted on the plus strand (GG on the coding strand, the reverse complement: SBF1 is on the minus strand); deleting any 2 consecutive bases within chr22:50,447,578-50,447,582 gives the same sequence; the c. name uses the placement nearest the transcript's 3' end. VCF-style (leftmost placement, unchanged base first): chr22-50447577-GCC-G. GRCh37 (hg19) VCF-style: chr22-50886006-GCC-G.
Other names: c.5394_5395delGG (NM_002972.2, NM_002972.3); c.5319_5320del, p.Ala1774fs (NM_001365819.1); short protein forms A1774fs, A1799fs.
Identifiers: ClinVar variation 523992 (VCV000523992.4), dbSNP rs1234122324, ClinGen allele CA658799566.

ClinVar aggregate classification (germline): Conflicting classifications of pathogenicity. Review status: criteria provided, conflicting classifications (1 of 4 stars). 2 submissions from 2 submitters: Likely pathogenic (1); Uncertain significance (1). Last evaluated 2022-12-19.

Conditions:
SBF1-related disorder. Also called: SBF1-related condition.

Submissions (2):

PreventionGenetics, part of Exact Sciences
Classification: Likely pathogenic for SBF1-related condition. Last evaluated: 2022-12-19. Review status: criteria provided, single submitter. Criteria: ACMG Guidelines, 2015. Collection method: clinical testing. Allele origin: germline.
Comment: The SBF1 c.5394_5395delGG variant is predicted to result in a frameshift and premature protein termination (p.Ala1799Leufs*53). To our knowledge, this variant has not been reported in the literature or in a large population database, indicating this variant is rare. Frameshift variants in SBF1 are expected to be pathogenic. This variant is interpreted as likely pathogenic.

GeneDx
Classification: Uncertain significance. Last evaluated: 2020-03-30. Review status: criteria provided, single submitter. Criteria: GeneDx Variant Classification Process June 2021. Collection method: clinical testing. Allele origin: germline. Affected: yes.
Comment: Not observed in large population cohorts (Lek et al., 2016); Frameshift variant predicted to result in protein truncation as the last 95 amino acids are replaced with 52 different amino acids, although loss-of-function variants have not been reported downstream of this position in the protein; Has not been previously published as pathogenic or benign to our knowledge